The following is an entry in ClinVar:

NM_006662.3(SRCAP):c.3338C>T (p.Pro1113Leu)

Gene: SRCAP (Snf2 related CREBBP activator protein; plus strand). Cytogenetic location: 16p11.2.
Variant type: single nucleotide variant.
Coding change: c.3338C>T on transcript NM_006662.3 (MANE Select); coding-DNA position 3338, C replaced by T.
Protein change: p.Pro1113Leu; replaces proline 1113 with leucine.
Molecular consequence: missense variant.
Genome position (GRCh38, 1-based): chr16:30,721,273, C>T. VCF-style: chr16-30721273-C-T. GRCh37 (hg19) VCF-style: chr16-30732594-C-T.
Other names: short protein forms P1113L.
Identifiers: ClinVar variation 4527875 (VCV004527875.1).
Genomic context (GRCh38, chr16:30,721,273, plus strand): 5'-TGAGTGGGACCTCACGGCCTCCCACGCCAACCTTGTCCCTAAAGCCAACACCACCTGCCC[C>T]AGTTCGCCTGAGCCCAGCCCCACCTCCAGGCTCCTCTAGCCTGTTGAAGCCCCTGACAGT-3'
Protein context (NP_006653.2, residues 1103-1123): TLSLKPTPPA[Pro1113Leu]VRLSPAPPPG

ClinVar aggregate classification (germline): Uncertain significance (1 of 4 stars; one submission).

gnomAD v4.1: 1 of 1,614,198 alleles (0.000062%); highest among the groups gnomAD compares: Non-Finnish European, 0.000085%; no homozygotes.

Submission:

GeneDx
Classification: Uncertain significance. Last evaluated: 2025-04-30. Review status: criteria provided, single submitter. Criteria: GeneDx Variant Classification Process June 2021. Collection method: clinical testing. Allele origin: germline. Affected: yes.
Comment: Not observed at significant frequency in large population cohorts (gnomAD); In silico analysis supports that this missense variant has a deleterious effect on protein structure/function; Has not been previously published as pathogenic or benign to our knowledge